The following is an entry in ClinVar:

NM_004415.4(DSP):c.946A>T (p.Met316Leu)

Gene: DSP (desmoplakin; plus strand). Cytogenetic location: 6p24.3.
Variant type: single nucleotide variant.
Coding change: c.946A>T on transcript NM_004415.4 (MANE Select); coding-DNA position 946, A replaced by T.
Protein change: p.Met316Leu; replaces methionine 316 with leucine.
Molecular consequence: missense variant.
Genome position (GRCh38, 1-based): chr6:7,566,383, A>T. VCF-style: chr6-7566383-A-T. GRCh37 (hg19) VCF-style: chr6-7566616-A-T.
Other names: c.946A>T, p.Met316Leu (NM_001008844.3, NM_001319034.2, NM_001406591.1); short protein forms M316L.
Identifiers: ClinVar variation 3763294 (VCV003763294.2).

ClinVar aggregate classification (germline): Uncertain significance (1 of 4 stars; one submission).

Conditions:
Arrhythmogenic cardiomyopathy with wooly hair and keratoderma. Also called: PALMOPLANTAR KERATODERMA WITH LEFT VENTRICULAR CARDIOMYOPATHY AND WOOLLY HAIR; Carvajal syndrome; Dilated cardiomyopathy with woolly hair and keratoderma; Arrhythmogenic cardiomyopathy with woolly hair and keratoderma. Identifiers: Orphanet 65282, MedGen C1854063, MONDO:0011581, OMIM 605676.
Arrhythmogenic right ventricular dysplasia 8 (ARVD8). Also called: Arrhythmogenic Right Ventricular Dysplasia/Cardiomyopathy 8; ARRHYTHMOGENIC RIGHT VENTRICULAR CARDIOMYOPATHY 8; ARRHYTHMOGENIC RIGHT VENTRICULAR DYSPLASIA, FAMILIAL, 8. Identifiers: MedGen C1843896, MONDO:0011831, OMIM 607450.

Submission:

Labcorp Genetics (formerly Invitae), Labcorp
Classification: Uncertain significance for Arrhythmogenic cardiomyopathy with wooly hair and keratoderma; Arrhythmogenic right ventricular dysplasia 8. Last evaluated: 2024-07-19. Review status: criteria provided, single submitter. Criteria: Invitae Variant Classification Sherloc (09022015). Collection method: clinical testing. Allele origin: germline.
Comment: This sequence change replaces methionine, which is neutral and non-polar, with leucine, which is neutral and non-polar, at codon 316 of the DSP protein (p.Met316Leu). This variant is not present in population databases (gnomAD no frequency). This variant has not been reported in the literature in individuals affected with DSP-related conditions. An algorithm developed to predict the effect of missense changes on protein structure and function (PolyPhen-2) suggests that this variant is likely to be disruptive. In summary, the available evidence is currently insufficient to determine the role of this variant in disease. Therefore, it has been classified as a Variant of Uncertain Significance.